The following is an entry in ClinVar:

NM_001384474.1(LOXHD1):c.229dup (p.Leu77fs)

Gene: LOXHD1 (lipoxygenase homology PLAT domains 1; minus strand). Cytogenetic location: 18q21.1.
Variant type: Duplication.
Coding change: c.229dup on transcript NM_001384474.1 (MANE Select); coding-DNA position 229, one base duplicated (C; older notation c.229dupC).
Protein change: p.Leu77fs; shifts the reading frame from leucine 77.
Molecular consequence: frameshift variant.
Genome position (GRCh38, 1-based): chr18:46,649,171, G duplicated on the plus strand (C on the coding strand, the reverse complement: LOXHD1 is on the minus strand). VCF-style (leftmost placement, unchanged base first): chr18-46649170-A-AG. GRCh37 (hg19) VCF-style: chr18-44229133-A-AG.
Other names: c.229dup, p.Leu77fs (NM_144612.7); c.229dup (NM_144612.6); short protein forms L77fs.
Identifiers: ClinVar variation 1069638 (VCV001069638.9), dbSNP rs2144399576, ClinGen allele CA2499225191.

ClinVar aggregate classification (germline): Pathogenic/Likely pathogenic. Review status: criteria provided, multiple submitters, no conflicts (2 of 4 stars). 3 submissions from 3 submitters: Pathogenic (2); Likely pathogenic (1). Last evaluated 2026-02-10.

Conditions:
Monogenic hearing loss.
Autosomal recessive nonsyndromic hearing loss 77. Identifiers: Orphanet 90636, MedGen C2746083, MONDO:0013119, OMIM 613079.

Allele frequency attached by ClinVar (database versions not stated): gnomAD exomes below 0.00001.

Submissions (3):

Genetics Laboratory, Great Ormond Street Hospital NHS Foundation Trust, North Thames Genomic Laboratory Hub
Classification: Pathogenic for Monogenic hearing loss. Last evaluated: 2026-02-10. Review status: criteria provided, single submitter. Criteria: ACGS Best Practice Guidelines for Variant Classification in Rare Disease 2024 v1.2. Collection method: clinical testing. Allele origin: germline. Affected: yes.
Comment: PM2_moderate, PVS1_very-strong

Natera, Inc.
Classification: Likely pathogenic for Autosomal recessive deafness type 77. Last evaluated: 2025-06-01. Review status: criteria provided, single submitter. Criteria: Natera Variant Classification Schema (03/2026). Collection method: clinical testing. Allele origin: germline.
Comment: The c.229dup variant in LOXHD1 is a frameshift variant predicted to shift the reading frame beginning at codon 77 and leads to a stop codon 12 codons downstream. This variant is expected to result in nonsense mediated decay, truncation, or a dysfunctional protein product. This variant is rare in the general population with a frequency below the threshold expected for the associated phenotype(s). Given the available evidence, this variant is classified as Likely Pathogenic.

Labcorp Genetics (formerly Invitae), Labcorp
Classification: Pathogenic. Last evaluated: 2020-05-20. Review status: criteria provided, single submitter. Criteria: Invitae Variant Classification Sherloc (09022015). Collection method: clinical testing. Allele origin: germline.
Comment: For these reasons, this variant has been classified as Pathogenic. Loss-of-function variants in LOXHD1 are known to be pathogenic (PMID: 19732867, 21465660, 25792669). This variant has not been reported in the literature in individuals with LOXHD1-related conditions. This variant is not present in population databases (ExAC no frequency). This sequence change creates a premature translational stop signal (p.Leu77Profs*12) in the LOXHD1 gene. It is expected to result in an absent or disrupted protein product.

Literature cited by the submitters: PubMed 19732867 (cited by Labcorp Genetics (formerly Invitae), Labcorp); PubMed 21465660 (cited by Labcorp Genetics (formerly Invitae), Labcorp); PubMed 25792669 (cited by Labcorp Genetics (formerly Invitae), Labcorp).